The following is an entry in ClinVar:

NM_183050.4(BCKDHB):c.238G>A (p.Ala80Thr)

Gene: BCKDHB (branched chain keto acid dehydrogenase E1 subunit beta; plus strand). Cytogenetic location: 6q14.1.
Variant type: single nucleotide variant.
Coding change: c.238G>A on transcript NM_183050.4 (MANE Select); coding-DNA position 238, G replaced by A.
Protein change: p.Ala80Thr; replaces alanine 80 with threonine.
Molecular consequence: missense variant. On other transcripts: non-coding transcript variant (1).
Genome position (GRCh38, 1-based): chr6:80,127,588, G>A. VCF-style: chr6-80127588-G-A. GRCh37 (hg19) VCF-style: chr6-80837305-G-A.
Other names: c.238G>A, p.Ala80Thr (NM_000056.5); c.28G>A, p.Ala10Thr (NM_001318975.1); short protein forms A10T, A80T.
Identifiers: ClinVar variation 2191893 (VCV002191893.1), dbSNP rs2481558960, ClinGen allele CA364659042.

ClinVar aggregate classification (germline): Uncertain significance (1 of 4 stars; one submission).

Conditions:
Maple syrup urine disease (MSUD). Identifiers: Orphanet 511, MedGen C0024776, MeSH D008375, MONDO:0009563. Disease mechanism: loss of function.

Submission:

Labcorp Genetics (formerly Invitae), Labcorp
Classification: Uncertain significance for Maple syrup urine disease. Last evaluated: 2022-05-04. Review status: criteria provided, single submitter. Criteria: Invitae Variant Classification Sherloc (09022015). Collection method: clinical testing. Allele origin: germline.
Comment: This sequence change replaces alanine, which is neutral and non-polar, with threonine, which is neutral and polar, at codon 80 of the BCKDHB protein (p.Ala80Thr). This variant is not present in population databases (gnomAD no frequency). This variant has not been reported in the literature in individuals affected with BCKDHB-related conditions. Algorithms developed to predict the effect of missense changes on protein structure and function are either unavailable or do not agree on the potential impact of this missense change (SIFT: "Deleterious"; PolyPhen-2: "Benign"; Align-GVGD: "Class C55"). In summary, the available evidence is currently insufficient to determine the role of this variant in disease. Therefore, it has been classified as a Variant of Uncertain Significance.